The following is an entry in ClinVar:

NC_000017.10:g.(?_41203060)_(41277500_?)del

Gene: BRCA1 (BRCA1 DNA repair associated; minus strand). Cytogenetic location: 17q21.31.
Variant type: Deletion.
Identifiers: ClinVar variation 1459038 (VCV001459038.7).

ClinVar aggregate classification (germline): Pathogenic (1 of 4 stars; one submission).

Conditions:
Hereditary breast ovarian cancer syndrome. Also called: Hereditary breast and ovarian cancer; Breast and ovarian cancer; BRCA1- and BRCA2-Associated Hereditary Breast and Ovarian Cancer; Hereditary breast and/or ovarian cancer syndrome; Hereditary breast and ovarian cancer syndrome; Hereditary breast and ovarian cancer syndrome (HBOC). Identifiers: Orphanet 145, MedGen C0677776, MeSH D061325, MONDO:0003582. Disease mechanism: loss of function.

Submission:

Labcorp Genetics (formerly Invitae), Labcorp
Classification: Pathogenic for Hereditary breast ovarian cancer syndrome. Last evaluated: 2021-08-06. Review status: criteria provided, single submitter. Criteria: Invitae Variant Classification Sherloc (09022015). Collection method: clinical testing. Allele origin: germline.
Comment: For these reasons, this variant has been classified as Pathogenic. This variant has not been reported in the literature in individuals with BRCA1-related conditions. This variant is a gross deletion of the genomic region encompassing exon(s) 1-20 of the BRCA1 gene, which includes the initiator codon. The 5' end of this event is unknown as it extends beyond the assayed region for this gene and therefore may encompass additional genes. The 3' boundary is likely confined to intron 20 of the BRCA1 gene. It is expected to result in an absent or disrupted protein product. Loss-of-function variants in BRCA1 are known to be pathogenic (PMID: 20104584).

Literature cited by the submitters: PubMed 20104584.